The following is an entry in ClinVar:

NM_012082.4(ZFPM2):c.2346G>C (p.Glu782Asp)

Genes: ZFPM2 (zinc finger protein, FOG family member 2; plus strand), ZFPM2-AS1 (ZFPM2 antisense RNA 1; minus strand), LOC126860469 (BRD4-independent group 4 enhancer GRCh37_chr8:106814445-106815644; plus strand). Cytogenetic location: 8q23.1.
Variant type: single nucleotide variant.
Coding change: c.2346G>C on transcript NM_012082.4 (MANE Select); coding-DNA position 2346, G replaced by C.
Protein change: p.Glu782Asp; replaces glutamic acid 782 with aspartic acid.
Molecular consequence: missense variant.
Genome position (GRCh38, 1-based): chr8:105,802,428, G>C. VCF-style: chr8-105802428-G-C. GRCh37 (hg19) VCF-style: chr8-106814656-G-C.
Other names: c.2187G>C, p.Glu729Asp (NM_001362836.2); c.1950G>C, p.Glu650Asp (NM_001362837.2); short protein forms E782D, E729D, E650D.
Identifiers: ClinVar variation 260174 (VCV000260174.19), dbSNP rs2920048, ClinGen allele CA4839893.

ClinVar aggregate classification (germline): Benign/Likely benign. Review status: criteria provided, multiple submitters, no conflicts (2 of 4 stars). 7 submissions from 7 submitters: Benign (5); Likely benign (2). Last evaluated 2026-02-03.

Conditions:
46,XY sex reversal 9 (SRXY9). Also called: 46,XY SEX REVERSAL, ZFPM2-RELATED. Identifiers: Orphanet 251510, MedGen C4015129, MONDO:0014480, OMIM 616067.

Allele frequency attached by ClinVar (database versions not stated): TOPMed 0.09291; ExAC 0.10318; ESP Exome Variant Server 0.10329; 1000 Genomes Project 30x 0.05668; 1000 Genomes Project 0.05751; gnomAD 0.08600.
gnomAD v4.1: 203,030 of 1,613,586 alleles (13%); highest among the groups gnomAD compares: Middle Eastern, 15%; 14,161 homozygotes.

Submissions (7):

Labcorp Genetics (formerly Invitae), Labcorp
Classification: Benign for 46,XY sex reversal 9. Last evaluated: 2026-02-03. Review status: criteria provided, single submitter. Criteria: Invitae Variant Classification Sherloc (09022015). Collection method: clinical testing. Allele origin: germline.

Blueprint Genetics
Classification: Likely benign. Last evaluated: 2024-11-27. Review status: criteria provided, single submitter. Criteria: ACMG Guidelines, 2015. Collection method: clinical testing. Allele origin: germline.

Women's Health and Genetics/Laboratory Corporation of America, LabCorp
Classification: Likely benign. Last evaluated: 2023-10-23. Review status: criteria provided, single submitter. Criteria: LabCorp Variant Classification Summary - May 2015. Collection method: clinical testing. Allele origin: germline.

GeneDx
Classification: Benign. Last evaluated: 2019-04-17. Review status: criteria provided, single submitter. Criteria: GeneDx Variant Classification Process June 2021. Collection method: clinical testing. Allele origin: germline. Affected: yes.

Laboratory for Molecular Medicine, Mass General Brigham Personalized Medicine
Classification: Benign. Last evaluated: 2016-03-29. Review status: criteria provided, single submitter. Criteria: LMM Criteria. Collection method: clinical testing. Allele origin: germline.
Comment: Variant identified in a genome or exome case(s) and assessed due to predicted null impact of the variant or pathogenic assertions in the literature or databases. Disclaimer: This variant has not undergone full assessment. The following are preliminary notes: MAF

Breakthrough Genomics
Classification: Benign. Review status: criteria provided, single submitter. Criteria: ACMG Guidelines, 2015. Collection method: not provided. Allele origin: germline. Inheritance: Autosomal dominant inheritance. Affected: yes.

PreventionGenetics, part of Exact Sciences
Classification: Benign. Review status: criteria provided, single submitter. Criteria: ACMG Guidelines, 2015. Collection method: clinical testing. Allele origin: germline.